The following is an entry in ClinVar:

ClinVar aggregate classification (germline): Likely benign (1 of 4 stars; one submission).

Allele frequency attached by ClinVar (database versions not stated): 1000 Genomes Project 0.00100; 1000 Genomes Project 30x 0.00109; ExAC 0.00208; gnomAD 0.00230; TOPMed 0.00290; gnomAD exomes 0.00346.
gnomAD v4.1: 5,128 of 1,533,364 alleles (0.33%); highest among the groups gnomAD compares: Non-Finnish European, 0.4%; 9 homozygotes.

Submission:

CeGaT Center for Human Genetics Tuebingen
Classification: Likely benign. Last evaluated: 2022-12-01. Review status: criteria provided, single submitter. Criteria: CeGaT Center For Human Genetics Tuebingen Variant Classification Criteria Version 2. Collection method: clinical testing. Allele origin: germline. Affected: yes. Observed: 2 variant alleles.
Comment: NTN4: BS2

NM_021229.4(NTN4):c.20T>G (p.Leu7Arg)

Gene: NTN4 (netrin 4; minus strand). Cytogenetic location: 12q22.
Variant type: single nucleotide variant.
Coding change: c.20T>G on transcript NM_021229.4 (MANE Select); coding-DNA position 20, T replaced by G.
Protein change: p.Leu7Arg; replaces leucine 7 with arginine.
Molecular consequence: missense variant. On other transcripts: intron variant (1).
Genome position (GRCh38, 1-based): chr12:95,790,290, A>C on the plus strand (T>G on the coding strand, the complement: NTN4 is on the minus strand). VCF-style: chr12-95790290-A-C. GRCh37 (hg19) VCF-style: chr12-96184068-A-C.
Other names: c.20T>G, p.Leu7Arg (NM_001329700.2); c.-57+822T>G (NM_001329701.2); short protein forms L7R.
Identifiers: ClinVar variation 2643222 (VCV002643222.24), dbSNP rs558117937, ClinGen allele CA6726225.